The following is an entry in ClinVar:

ClinVar aggregate classification (germline): Likely benign (1 of 4 stars; one submission).

gnomAD v4.1: 57 of 1,612,368 alleles (0.0035%); highest among the groups gnomAD compares: Non-Finnish European, 0.0036%; no homozygotes.

Submission:

CeGaT Center for Human Genetics Tuebingen
Classification: Likely benign. Last evaluated: 2025-06-01. Review status: criteria provided, single submitter. Criteria: CeGaT Center For Human Genetics Tuebingen Variant Classification Criteria Version 2. Collection method: clinical testing. Allele origin: germline. Affected: yes. Observed: 1 variant allele.
Comment: ITGA2: BP4, BP7

NM_002203.4(ITGA2):c.2604T>G (p.Ala868=)

Gene: ITGA2 (integrin subunit alpha 2; plus strand). Cytogenetic location: 5q11.2.
Variant type: single nucleotide variant.
Coding change: c.2604T>G on transcript NM_002203.4 (MANE Select); coding-DNA position 2604, T replaced by G.
Protein change: p.Ala868=; no amino-acid change (alanine 868 retained).
Molecular consequence: synonymous variant. On other transcripts: non-coding transcript variant (5).
Genome position (GRCh38, 1-based): chr5:53,074,417, T>G. VCF-style: chr5-53074417-T-G. GRCh37 (hg19) VCF-style: chr5-52370247-T-G.
Identifiers: ClinVar variation 4084216 (VCV004084216.8).
Genomic context (GRCh38, chr5:53,074,417, plus strand): 5'-TCATTGTTGTTTCCTTGGTCTTGTTCAGGTTGATGGGACAGAAGTAACATGCCAGGTGGC[T>G]GCATCTCAGAAGTCTGTTGCCTGCGATGTAGGCTACCCTGCTTTAAAGAGAGAACAACAG-3'
Protein context (NP_002194.2, residues 858-878): VDGTEVTCQV[Ala868=]ASQKSVACDV